The following is an entry in ClinVar:

ClinVar aggregate classification (germline): Pathogenic. Review status: criteria provided, single submitter (1 of 4 stars). 2 submissions from 2 submitters: Pathogenic (1). 1 of the submissions does not count toward it. Last evaluated 2024-02-11.

Conditions:
Biotinidase deficiency. Also called: BTD deficiency; Late-onset biotin-responsive multiple carboxylase deficiency; Biotin deficiency. Identifiers: Orphanet 79241, MedGen C0220754, MONDO:0009665, OMIM 253260.

Submissions (2):

Labcorp Genetics (formerly Invitae), Labcorp
Classification: Pathogenic for Biotinidase deficiency. Last evaluated: 2024-02-11. Review status: criteria provided, single submitter. Criteria: Invitae Variant Classification Sherloc (09022015). Collection method: clinical testing. Allele origin: germline.
Comment: This sequence change creates a premature translational stop signal (p.Tyr519Leufs*7) in the BTD gene. While this is not anticipated to result in nonsense mediated decay, it is expected to disrupt the last 25 amino acid(s) of the BTD protein. This variant is not present in population databases (gnomAD no frequency). This variant has not been reported in the literature in individuals affected with BTD-related conditions. ClinVar contains an entry for this variant (Variation ID: 556836). This variant disrupts a region of the BTD protein in which other variant(s) (p.Asp543Glu) have been determined to be pathogenic (PMID: 22698809, 25174816, 25967232, 28498829). This suggests that this is a clinically significant region of the protein, and that variants that disrupt it are likely to be disease-causing. For these reasons, this variant has been classified as Pathogenic.

Counsyl
Classification: Likely pathogenic for Biotinidase deficiency. Last evaluated: 2018-03-05. Review status: no assertion criteria provided. Collection method: clinical testing. Allele origin: unknown. Not counted in ClinVar's aggregate classification.

Literature cited by the submitters: PubMed 22698809 (cited by Labcorp Genetics (formerly Invitae), Labcorp); PubMed 25174816 (cited by Labcorp Genetics (formerly Invitae), Labcorp); PubMed 25967232 (cited by Labcorp Genetics (formerly Invitae), Labcorp); PubMed 28498829 (cited by Labcorp Genetics (formerly Invitae), Labcorp).

NM_001370658.1(BTD):c.1495dup (p.Tyr499fs)

Gene: BTD (biotinidase; plus strand). Cytogenetic location: 3p25.1.
Variant type: Duplication.
Coding change: c.1495dup on transcript NM_001370658.1 (MANE Select); coding-DNA position 1495, one base duplicated (T; older notation c.1495dupT).
Protein change: p.Tyr499fs; shifts the reading frame from tyrosine 499.
Molecular consequence: frameshift variant. On other transcripts: intron variant (2).
Genome position (GRCh38, 1-based): chr3:15,645,411, T duplicated. VCF-style (leftmost placement, unchanged base first): chr3-15645410-C-CT. GRCh37 (hg19) VCF-style: chr3-15686917-C-CT.
Other names: c.1495dup, p.Tyr499Leufs (NM_001407364.1, NM_001407365.1, NM_001407366.1 and 15 more transcripts); c.1015+480dup (NM_001370752.1); c.399+3354dup (NM_001370753.1); c.1555dup, p.Tyr519Leufs (NM_000060.4); c.1495dup, p.Tyr499fs (NM_001281724.3); short protein forms Y499fs.
Identifiers: ClinVar variation 556836 (VCV000556836.5), dbSNP rs1553654220, ClinGen allele CA658822120.